The following is an entry in ClinVar:

ClinVar aggregate classification (germline): Likely benign (1 of 4 stars; one submission).

Conditions:
TTC21B-related disorder. Also called: TTC21B-related condition; TTC21B-related disorders.

Submission:

PreventionGenetics, part of Exact Sciences
Classification: Likely benign for TTC21B-related condition. Last evaluated: 2026-08-07. Review status: criteria provided, single submitter. Criteria: ACMG Guidelines, 2015. Collection method: clinical testing. Allele origin: germline.
Comment: This variant is classified as likely benign based on ACMG/AMP sequence variant interpretation guidelines (Richards et al. 2015 PMID: 25741868, with internal and published modifications).

NM_024753.5(TTC21B):c.2814G>A (p.Leu938=)

Gene: TTC21B (tetratricopeptide repeat domain 21B; minus strand). Cytogenetic location: 2q24.3.
Variant type: single nucleotide variant.
Coding change: c.2814G>A on transcript NM_024753.5 (MANE Select); coding-DNA position 2814, G replaced by A.
Protein change: p.Leu938=; no amino-acid change (leucine 938 retained).
Molecular consequence: synonymous variant.
Genome position (GRCh38, 1-based): chr2:165,899,824, C>T on the plus strand (G>A on the coding strand, the complement: TTC21B is on the minus strand). VCF-style: chr2-165899824-C-T. GRCh37 (hg19) VCF-style: chr2-166756334-C-T.
Identifiers: ClinVar variation 4993440 (VCV004993440.1).
Genomic context (GRCh38, chr2:165,899,824, plus strand): 5'-ACTGACCATGGTAGCAGCTTCGTTATCCTGGTCACTCTGAAGCAGTAGAGCACACTGCCG[C>T]AGGCAGGAATCAGGGTCATCTTGTGCCAGGTATAATCGTGCCAGTTCCAACATAATCTGT-3'
Protein context (NP_079029.3, residues 928-948): YLAQDDPDSC[Leu938=]RQCALLLQSD